The following is an entry in ClinVar:

NM_000530.8(MPZ):c.101C>T (p.Thr34Ile)

Gene: MPZ (myelin protein zero; minus strand). Cytogenetic location: 1q23.3.
Variant type: single nucleotide variant.
Coding change: c.101C>T on transcript NM_000530.8 (MANE Select); coding-DNA position 101, C replaced by T.
Protein change: p.Thr34Ile; replaces threonine 34 with isoleucine.
Molecular consequence: missense variant.
Genome position (GRCh38, 1-based): chr1:161,307,391, G>A on the plus strand (C>T on the coding strand, the complement: MPZ is on the minus strand). VCF-style: chr1-161307391-G-A. GRCh37 (hg19) VCF-style: chr1-161277181-G-A.
Other names: c.101C>T (LRG_256t1); c.101C>T, p.Thr34Ile (NM_001315491.2); short protein forms T34I.
Identifiers: ClinVar variation 637323 (VCV000637323.6), dbSNP rs1571820317, ClinGen allele CA343351543.
Genomic context (GRCh38, chr1:161,307,391, plus strand): 5'-GACCAGAAGGAGCAGTGCAGGGTCACCCGGGAGCCCACAGCACCATGGACCTCCCTGTCG[G>A]TGTAAACCACGATGGCCTGGGCCGGGGACAGCACTGCAAGCACAAAGTGGGGAATCAGAT-3'
Protein context (NP_000521.2, residues 24-44): LSPAQAIVVY[Thr34Ile]DREVHGAVGS

ClinVar aggregate classification (germline): Conflicting classifications of pathogenicity. Review status: criteria provided, conflicting classifications (1 of 4 stars). 4 submissions from 4 submitters: Likely pathogenic (2); Uncertain significance (1). 1 of the submissions does not count toward it. Last evaluated 2023-06-29.

Conditions:
Charcot-Marie-Tooth disease, type I (CMT1). Also called: Charcot-Marie-Tooth disease type 1; Charcot-Marie-Tooth, Type 1. Identifiers: Orphanet 65753, MedGen C0751036, MONDO:0019011.
Charcot-Marie-Tooth disease type 1B. Also called: PERONEAL MUSCULAR ATROPHY; CHARCOT-MARIE-TOOTH DISEASE, AUTOSOMAL DOMINANT, WITH FOCALLY FOLDED MYELIN SHEATHS, TYPE 1B; CHARCOT-MARIE-TOOTH DISEASE, SLOW NERVE CONDUCTION TYPE, LINKED TO DUFFY; CHARCOT-MARIE-TOOTH NEUROPATHY, TYPE 1B; HEREDITARY MOTOR AND SENSORY NEUROPATHY I; HEREDITARY MOTOR AND SENSORY NEUROPATHY IB. Identifiers: Orphanet 101082, MedGen C0270912, MONDO:0007307, OMIM 118200.
Charcot-Marie-Tooth disease type 2I (CMT2I). Also called: CHARCOT-MARIE-TOOTH DISEASE, AXONAL, TYPE 2I. Identifiers: Orphanet 99942, MedGen C3888087, MONDO:0011889, OMIM 607677.
Charcot-Marie-Tooth disease type 2J (CMT2J). Also called: CHARCOT-MARIE-TOOTH DISEASE, TYPE 2, WITH HEARING LOSS AND PUPILLARY ABNORMALITIES; CHARCOT-MARIE-TOOTH NEUROPATHY, TYPE 2J; CHARCOT-MARIE-TOOTH DISEASE, AXONAL, TYPE 2J. Identifiers: Orphanet 99943, MedGen C1843153, MONDO:0011903, OMIM 607736.
Charcot-Marie-Tooth disease dominant intermediate D. Also called: CHARCOT-MARIE-TOOTH NEUROPATHY, DOMINANT INTERMEDIATE D; Charcot-Marie-Tooth disease dominant intermediate 3; CMT DI3. Identifiers: Orphanet 100046, MedGen C1843075, MONDO:0011909, OMIM 607791.
Roussy-Lévy syndrome. Also called: Roussy Levy hereditary areflexic dystasia; Roussy-Levy disease; Hereditary areflexic dystasia; Roussy-Levy Syndrome. Identifiers: Orphanet 3115, MedGen C0205713, MONDO:0008392, OMIM 180800.
Neuropathy, congenital hypomyelinating, 2. Identifiers: MedGen C4722277, MONDO:0020765, OMIM 618184.
Dejerine-Sottas disease. Also called: Hereditary motor and sensory neuropathy 3; HMSN Type III; DEJERINE-SOTTAS NEUROPATHY; HEREDITARY MOTOR AND SENSORY NEUROPATHY TYPE III; Charcot-Marie-Tooth disease type 3. Identifiers: Orphanet 64748, MedGen C0011195, MONDO:0007790, OMIM 145900.
Charcot-Marie-Tooth disease. Also called: Charcot-Marie-Tooth Hereditary Neuropathy; Charcot-Marie-Tooth Neuropathy. Identifiers: Orphanet 166, MedGen C0007959, MONDO:0015626.

Submissions (4):

Labcorp Genetics (formerly Invitae), Labcorp
Classification: Uncertain significance for Charcot-Marie-Tooth disease, type I. Last evaluated: 2023-06-29. Review status: criteria provided, single submitter. Criteria: Invitae Variant Classification Sherloc (09022015). Collection method: clinical testing. Allele origin: germline.
Comment: This missense change has been observed in individuals with Charcot-Marie-Tooth and/or Charcot-Marie-Tooth disease (PMID: 8797476; Invitae). This variant is not present in population databases (gnomAD no frequency). This sequence change replaces threonine, which is neutral and polar, with isoleucine, which is neutral and non-polar, at codon 34 of the MPZ protein (p.Thr34Ile). This variant is also known as p.Thr5Ile. ClinVar contains an entry for this variant (Variation ID: 637323). Advanced modeling of protein sequence and biophysical properties (such as structural, functional, and spatial information, amino acid conservation, physicochemical variation, residue mobility, and thermodynamic stability) performed at Invitae indicates that this missense variant is expected to disrupt MPZ protein function. In summary, the available evidence is currently insufficient to determine the role of this variant in disease. Therefore, it has been classified as a Variant of Uncertain Significance.

Kariminejad - Najmabadi Pathology & Genetics Center
Classification: Likely pathogenic for Charcot-Marie-Tooth disease dominant intermediate D; Charcot-Marie-Tooth disease type 1B; Charcot-Marie-Tooth disease type 2I; Charcot-Marie-Tooth disease type 2J; Dejerine-Sottas disease; Neuropathy, congenital hypomyelinating, 2; Roussy-Lévy syndrome. Last evaluated: 2022-08-18. Review status: criteria provided, single submitter. Criteria: ACMG Guidelines, 2015. Collection method: clinical testing. Allele origin: germline. Inheritance: Autosomal dominant inheritance. Affected: yes.
Comment: PM1, PM2, PP2, PP3, PP5

Mendelics
Classification: Likely pathogenic for Charcot-Marie-Tooth disease type 1B. Last evaluated: 2022-05-04. Review status: criteria provided, single submitter. Criteria: Mendelics Assertion Criteria 2019. Collection method: clinical testing. Allele origin: germline.

Inherited Neuropathy Consortium
Classification: Uncertain significance for Charcot-Marie-Tooth disease. Review status: no assertion criteria provided. Collection method: literature only. Allele origin: germline. Affected: yes. Not counted in ClinVar's aggregate classification.

Literature cited by the submitters: PubMed 8797476 (cited by Labcorp Genetics (formerly Invitae), Labcorp and Inherited Neuropathy Consortium).